The following is an entry in ClinVar:

NM_000361.3(THBD):c.523_533del (p.Cys175fs)

Gene: THBD (thrombomodulin; minus strand). Cytogenetic location: 20p11.21.
Variant type: Deletion.
Coding change: c.523_533del on transcript NM_000361.3 (MANE Select); coding-DNA positions 523 to 533, 11 bases deleted (TGCAGGCCACT).
Protein change: p.Cys175fs; shifts the reading frame from cysteine 175.
Molecular consequence: frameshift variant.
Genome position (GRCh38, 1-based): chr20:23,048,972-23,048,982, AGTGGCCTGCA deleted on the plus strand (TGCAGGCCACT on the coding strand, the reverse complement: THBD is on the minus strand). VCF-style (leftmost placement, unchanged base first): chr20-23048971-CAGTGGCCTGCA-C. GRCh37 (hg19) VCF-style: chr20-23029608-CAGTGGCCTGCA-C.
Other names: short protein forms C175fs.
Identifiers: ClinVar variation 2692813 (VCV002692813.3), dbSNP rs2515205255, ClinGen allele CA2697547326.

ClinVar aggregate classification (germline): Uncertain significance (1 of 4 stars; one submission).

Submission:

Labcorp Genetics (formerly Invitae), Labcorp
Classification: Uncertain significance. Last evaluated: 2023-05-23. Review status: criteria provided, single submitter. Criteria: Invitae Variant Classification Sherloc (09022015). Collection method: clinical testing. Allele origin: germline.
Comment: In summary, the available evidence is currently insufficient to determine the role of this variant in disease. Therefore, it has been classified as a Variant of Uncertain Significance. Experimental studies and prediction algorithms are not available or were not evaluated, and the functional significance of this variant is currently unknown. This variant has not been reported in the literature in individuals affected with THBD-related conditions. This variant is not present in population databases (gnomAD no frequency). This sequence change creates a premature translational stop signal (p.Cys175Glyfs*150) in the THBD gene. While this is not anticipated to result in nonsense mediated decay, it is expected to disrupt the last 401 amino acid(s) of the THBD protein.